The following is an entry in ClinVar:

ClinVar aggregate classification (germline): Uncertain significance (1 of 4 stars; one submission).

Allele frequency attached by ClinVar (database versions not stated): ExAC 0.00001; gnomAD 0.00001; TOPMed 0.00001.
gnomAD v4.1: 5 of 1,614,012 alleles (0.00031%); highest among the groups gnomAD compares: Admixed American, 0.0017%; no homozygotes.

Submission:

Labcorp Genetics (formerly Invitae), Labcorp
Classification: Uncertain significance. Last evaluated: 2023-05-23. Review status: criteria provided, single submitter. Criteria: Invitae Variant Classification Sherloc (09022015). Collection method: clinical testing. Allele origin: germline.
Comment: This variant is present in population databases (rs767645694, gnomAD 0.003%). This sequence change replaces valine, which is neutral and non-polar, with isoleucine, which is neutral and non-polar, at codon 307 of the SCNN1B protein (p.Val307Ile). This variant has not been reported in the literature in individuals affected with SCNN1B-related conditions. In summary, the available evidence is currently insufficient to determine the role of this variant in disease. Therefore, it has been classified as a Variant of Uncertain Significance. Advanced modeling of protein sequence and biophysical properties (such as structural, functional, and spatial information, amino acid conservation, physicochemical variation, residue mobility, and thermodynamic stability) performed at Invitae indicates that this missense variant is not expected to disrupt SCNN1B protein function.

NM_000336.3(SCNN1B):c.919G>A (p.Val307Ile)

Gene: SCNN1B (sodium channel epithelial 1 subunit beta; plus strand). Cytogenetic location: 16p12.2.
Variant type: single nucleotide variant.
Coding change: c.919G>A on transcript NM_000336.3 (MANE Select); coding-DNA position 919, G replaced by A.
Protein change: p.Val307Ile; replaces valine 307 with isoleucine.
Molecular consequence: missense variant.
Genome position (GRCh38, 1-based): chr16:23,371,337, G>A. VCF-style: chr16-23371337-G-A. GRCh37 (hg19) VCF-style: chr16-23382658-G-A.
Other names: c.919G>A, p.Val307Ile (NM_001410900.1); short protein forms V307I.
Identifiers: ClinVar variation 2899680 (VCV002899680.3), dbSNP rs767645694, ClinGen allele CA7960303.